The following is an entry in ClinVar:

ClinVar aggregate classification (germline): Likely pathogenic (1 of 4 stars; one submission).

Conditions:
Dilated cardiomyopathy 1O (CMD1O). Also called: CARDIOMYOPATHY, DILATED, WITH VENTRICULAR TACHYCARDIA. Identifiers: Orphanet 154, MedGen C1837839, MONDO:0012062, OMIM 608569.

Allele frequency attached by ClinVar (database versions not stated): gnomAD exomes below 0.00001.

Submission:

Labcorp Genetics (formerly Invitae), Labcorp
Classification: Likely pathogenic for Dilated cardiomyopathy 1O. Last evaluated: 2025-12-15. Review status: criteria provided, single submitter. Criteria: Invitae Variant Classification Sherloc (09022015). Collection method: clinical testing. Allele origin: germline.
Comment: This sequence change affects an acceptor splice site in intron 7 of the ABCC9 gene. It is expected to disrupt RNA splicing. Variants that disrupt the donor or acceptor splice site typically lead to a loss of protein function (PMID: 16199547), and loss-of-function variants in ABCC9 are known to be pathogenic (PMID: 31575858, 38217872). The frequency data for this variant in the population databases is considered unreliable, as metrics indicate poor data quality at this position in the gnomAD database. This variant has not been reported in the literature in individuals affected with ABCC9-related conditions. ClinVar contains an entry for this variant (Variation ID: 240201). Algorithms developed to predict the effect of sequence changes on RNA splicing suggest that this variant may disrupt the consensus splice site. In summary, the currently available evidence indicates that the variant is pathogenic, but additional data are needed to prove that conclusively. Therefore, this variant has been classified as Likely Pathogenic.

Literature cited by the submitters: PubMed 16199547; PubMed 31575858; PubMed 38217872.

NM_020297.4(ABCC9):c.1165-2A>G

Gene: ABCC9 (ATP binding cassette subfamily C member 9; minus strand). Cytogenetic location: 12p12.1.
Variant type: single nucleotide variant.
Coding change: c.1165-2A>G on transcript NM_020297.4 (MANE Select); the canonical splice acceptor site of the intron before coding-DNA position 1165, A replaced by G.
Molecular consequence: splice acceptor variant.
Genome position (GRCh38, 1-based): chr12:21,910,314, T>C on the plus strand (A>G on the coding strand, the complement: ABCC9 is on the minus strand). VCF-style: chr12-21910314-T-C. GRCh37 (hg19) VCF-style: chr12-22063248-T-C.
Other names: c.301-2A>G (NM_001377274.1); c.1165-2A>G (NM_005691.4, NM_001377273.1).
Identifiers: ClinVar variation 240201 (VCV000240201.7), dbSNP rs878854782, ClinGen allele CA10583041.
Genomic context (GRCh38, chr12:21,910,314, plus strand): 5'-ATCTCCCCCATGGATAAGTTAGACGTAGAGAGCCTAAGGATTTTATTATAAATCATGGCC[T>C]ACCAAAAAAAAAAAAAAGAGTACATAAAGCTCTAAACTTAAAATTGACACTATGATTATT-3'